The following is an entry in ClinVar:

NM_170699.3(GPBAR1):c.623G>A (p.Arg208His)

Gene: GPBAR1 (G protein-coupled bile acid receptor 1; plus strand). Cytogenetic location: 2q35.
Variant type: single nucleotide variant.
Coding change: c.623G>A on transcript NM_170699.3 (MANE Select); coding-DNA position 623, G replaced by A.
Protein change: p.Arg208His; replaces arginine 208 with histidine.
Molecular consequence: missense variant.
Genome position (GRCh38, 1-based): chr2:218,263,347, G>A. VCF-style: chr2-218263347-G-A. GRCh37 (hg19) VCF-style: chr2-219128070-G-A.
Other names: c.623G>A, p.Arg208His (NM_001077191.2, NM_001077194.2, NM_001321950.2); short protein forms R208H.
Identifiers: ClinVar variation 2634991 (VCV002634991.1), dbSNP rs376966143, ClinGen allele CA2102639.

ClinVar aggregate classification (germline): Uncertain significance (1 of 4 stars; one submission).

Conditions:
GPBAR1-related disorder. Also called: GPBAR1-related condition.

Allele frequency attached by ClinVar (database versions not stated): gnomAD exomes 0.00004; ESP Exome Variant Server 0.00008; gnomAD 0.00008; TOPMed 0.00009; ExAC 0.00012.
gnomAD v4.1: 68 of 1,600,194 alleles (0.0042%); highest among the groups gnomAD compares: African/African-American, 0.024%; no homozygotes.

Submission:

PreventionGenetics, part of Exact Sciences
Classification: Uncertain significance for GPBAR1-related condition. Last evaluated: 2023-07-27. Review status: criteria provided, single submitter. Criteria: ACMG Guidelines, 2015. Collection method: clinical testing. Allele origin: germline.
Comment: The GPBAR1 c.623G>A variant is predicted to result in the amino acid substitution p.Arg208His. To our knowledge, this variant has not been reported in the literature. This variant is reported in 0.018% of alleles in individuals of African descent in gnomAD. At this time, the clinical significance of this variant is uncertain due to the absence of conclusive functional and genetic evidence.